The following is an entry in ClinVar:

NM_025114.4(CEP290):c.5444T>A (p.Leu1815Gln)

Gene: CEP290 (centrosomal protein 290; minus strand). Cytogenetic location: 12q21.32.
Variant type: single nucleotide variant.
Coding change: c.5444T>A on transcript NM_025114.4 (MANE Select); coding-DNA position 5444, T replaced by A.
Protein change: p.Leu1815Gln; replaces leucine 1815 with glutamine.
Molecular consequence: missense variant.
Genome position (GRCh38, 1-based): chr12:88,077,839, A>T on the plus strand (T>A on the coding strand, the complement: CEP290 is on the minus strand). VCF-style: chr12-88077839-A-T. GRCh37 (hg19) VCF-style: chr12-88471616-A-T.
Other names: short protein forms L1815Q.
Identifiers: ClinVar variation 4994405 (VCV004994405.1).
Genomic context (GRCh38, chr12:88,077,839, plus strand): 5'-TTATTATAGGCTTTTTGTTTCTTTTGCAGTTCATTATTTAAGTCATTCAAATTATCAGTT[A>T]GTGAGTTTTCTCTGTTTTTACTTGTTTTAAGTGCTTCTTTCAATTTTAAAAGATTTTCAT-3'
Protein context (NP_079390.3, residues 1805-1825): LKTSKNRENS[Leu1815Gln]TDNLNDLNNE

ClinVar aggregate classification (germline): Uncertain significance (1 of 4 stars; one submission).

Conditions:
CEP290-related disorder. Also called: CEP290-related condition; CEP290-related disorders. Identifiers: MedGen CN239314.

Submission:

PreventionGenetics, part of Exact Sciences
Classification: Uncertain significance for CEP290-related condition. Last evaluated: 2026-09-22. Review status: criteria provided, single submitter. Criteria: ACMG Guidelines, 2015. Collection method: clinical testing. Allele origin: germline.
Comment: The CEP290 c.5444T>A variant is predicted to result in the amino acid substitution p.Leu1815Gln. To our knowledge, this variant has not been reported in the literature or in a large population database (gnomAD), indicating this variant is rare. At this time, the clinical significance of this variant is uncertain due to the absence of conclusive functional and genetic evidence.